The following is an entry in ClinVar:

ClinVar aggregate classification (germline): Uncertain significance (1 of 4 stars; one submission).

gnomAD v4.1: 1 of 1,611,726 alleles (0.000062%); no homozygotes.

Submission:

Labcorp Genetics (formerly Invitae), Labcorp
Classification: Uncertain significance. Last evaluated: 2024-12-09. Review status: criteria provided, single submitter. Criteria: Invitae Variant Classification Sherloc (09022015). Collection method: clinical testing. Allele origin: germline.
Comment: This sequence change replaces phenylalanine, which is neutral and non-polar, with leucine, which is neutral and non-polar, at codon 633 of the ADGRV1 protein (p.Phe633Leu). This variant is not present in population databases (gnomAD no frequency). This variant has not been reported in the literature in individuals affected with ADGRV1-related conditions. ClinVar contains an entry for this variant (Variation ID: 2134197). Invitae Evidence Modeling of protein sequence and biophysical properties (such as structural, functional, and spatial information, amino acid conservation, physicochemical variation, residue mobility, and thermodynamic stability) indicates that this missense variant is not expected to disrupt ADGRV1 protein function with a negative predictive value of 95%. In summary, the available evidence is currently insufficient to determine the role of this variant in disease. Therefore, it has been classified as a Variant of Uncertain Significance.

NM_032119.4(ADGRV1):c.1899T>G (p.Phe633Leu)

Gene: ADGRV1 (adhesion G protein-coupled receptor V1; plus strand). Cytogenetic location: 5q14.3.
Variant type: single nucleotide variant.
Coding change: c.1899T>G on transcript NM_032119.4 (MANE Select); coding-DNA position 1899, T replaced by G.
Protein change: p.Phe633Leu; replaces phenylalanine 633 with leucine.
Molecular consequence: missense variant. On other transcripts: non-coding transcript variant (1).
Genome position (GRCh38, 1-based): chr5:90,635,173, T>G. VCF-style: chr5-90635173-T-G. GRCh37 (hg19) VCF-style: chr5-89930990-T-G.
Other names: short protein forms F633L.
Identifiers: ClinVar variation 2134197 (VCV002134197.4), dbSNP rs2531900070, ClinGen allele CA360380947.